The following is an entry in ClinVar:

ClinVar aggregate classification (germline): Uncertain significance (1 of 4 stars; one submission).

gnomAD v4.1: 2 of 1,613,638 alleles (0.00012%); highest among the groups gnomAD compares: South Asian, 0.0011%; no homozygotes.

Submission:

GeneDx
Classification: Uncertain significance. Last evaluated: 2025-12-10. Review status: criteria provided, single submitter. Criteria: GeneDx Variant Classification Process June 2021. Collection method: clinical testing. Allele origin: germline. Affected: yes.
Comment: Not observed at significant frequency in large population cohorts (gnomAD); In silico analysis supports that this missense variant has a deleterious effect on protein structure/function; Has not been previously published as pathogenic or benign to our knowledge

NM_018263.6(ASXL2):c.1064G>A (p.Arg355Lys)

Gene: ASXL2 (ASXL transcriptional regulator 2; minus strand). Cytogenetic location: 2p23.3.
Variant type: single nucleotide variant.
Coding change: c.1064G>A on transcript NM_018263.6 (MANE Select); coding-DNA position 1064, G replaced by A.
Protein change: p.Arg355Lys; replaces arginine 355 with lysine.
Molecular consequence: missense variant.
Genome position (GRCh38, 1-based): chr2:25,753,612, C>T on the plus strand (G>A on the coding strand, the complement: ASXL2 is on the minus strand). VCF-style: chr2-25753612-C-T. GRCh37 (hg19) VCF-style: chr2-25976481-C-T.
Other names: c.890G>A, p.Arg297Lys (NM_001369346.1); c.284G>A, p.Arg95Lys (NM_001369347.1); short protein forms R297K, R355K, R95K.
Identifiers: ClinVar variation 3373365 (VCV003373365.2).